The following is an entry in ClinVar:

NM_020207.7(ERCC6L2):c.52T>C (p.Trp18Arg)

Gene: ERCC6L2 (ERCC excision repair 6 like 2; plus strand). Cytogenetic location: 9q22.32.
Variant type: single nucleotide variant.
Coding change: c.52T>C on transcript NM_020207.7 (MANE Select); coding-DNA position 52, T replaced by C.
Protein change: p.Trp18Arg; replaces tryptophan 18 with arginine.
Molecular consequence: missense variant. On other transcripts: non-coding transcript variant (1).
Genome position (GRCh38, 1-based): chr9:95,880,874, T>C. VCF-style: chr9-95880874-T-C. GRCh37 (hg19) VCF-style: chr9-98643156-T-C.
Other names: c.52T>C, p.Trp18Arg (NM_001010895.4, NM_001375291.1, NM_001375292.1 and 2 more transcripts); short protein forms W18R.
Identifiers: ClinVar variation 1698108 (VCV001698108.6), dbSNP rs573203064, ClinGen allele CA5139235.
Genomic context (GRCh38, chr9:95,880,874, plus strand): 5'-TGAGGTGTTACTTTATAAGCTAGCTTTGGAAACTTTATTTTCTTTATTCTTGCAGACATA[T>C]GGCATCCAGGAGAAAGATGTCTTGCCCCTTCTCCAGATAATGGAAAACTTTGTGAAGCAA-3'
Protein context (NP_064592.3, residues 8-28): PRAETSGKDI[Trp18Arg]HPGERCLAPS

ClinVar aggregate classification (germline): Uncertain significance. Review status: criteria provided, multiple submitters, no conflicts (2 of 4 stars). 3 submissions from 3 submitters: Uncertain significance (3). Last evaluated 2024-12-12.

Conditions:
Inborn genetic diseases. Identifiers: MedGen C0950123, MeSH D030342.

Allele frequency attached by ClinVar (database versions not stated): TOPMed below 0.00001; gnomAD 0.00001; gnomAD exomes 0.00002 and 0.00006; ExAC 0.00005; 1000 Genomes Project 30x 0.00016; 1000 Genomes Project 0.00020.
gnomAD v4.1: 25 of 1,604,450 alleles (0.0016%); highest among the groups gnomAD compares: East Asian, 0.04%; no homozygotes.

Submissions (3):

Ambry Genetics
Classification: Uncertain significance for Inborn genetic diseases. Last evaluated: 2024-12-12. Review status: criteria provided, single submitter. Criteria: Ambry Variant Classification Scheme 2023. Collection method: clinical testing. Allele origin: germline.
Comment: The p.W18R variant (also known as c.52T>C), located in coding exon 2 of the ERCC6L2 gene, results from a T to C substitution at nucleotide position 52. The tryptophan at codon 18 is replaced by arginine, an amino acid with dissimilar properties. This amino acid position is conserved. In addition, this alteration is predicted to be deleterious by in silico analysis. Based on the available evidence, the clinical significance of this variant remains unclear.

Labcorp Genetics (formerly Invitae), Labcorp
Classification: Uncertain significance. Last evaluated: 2022-03-13. Review status: criteria provided, single submitter. Criteria: Invitae Variant Classification Sherloc (09022015). Collection method: clinical testing. Allele origin: germline.
Comment: This sequence change replaces tryptophan, which is neutral and slightly polar, with arginine, which is basic and polar, at codon 29 of the ERCC6L2 protein (p.Trp29Arg). This variant is present in population databases (rs573203064, gnomAD 0.08%). This variant has not been reported in the literature in individuals affected with ERCC6L2-related conditions. Algorithms developed to predict the effect of missense changes on protein structure and function are either unavailable or do not agree on the potential impact of this missense change (SIFT: "Deleterious"; PolyPhen-2: "Not Available"; Align-GVGD: "Class C0"). In summary, the available evidence is currently insufficient to determine the role of this variant in disease. Therefore, it has been classified as a Variant of Uncertain Significance.

GeneDx
Classification: Uncertain significance. Last evaluated: 2022-01-12. Review status: criteria provided, single submitter. Criteria: GeneDx Variant Classification Process June 2021. Collection method: clinical testing. Allele origin: germline. Affected: yes.
Comment: In silico analysis supports that this missense variant does not alter protein structure/function; Has not been previously published as pathogenic or benign to our knowledge